The following is an entry in ClinVar:

NM_015338.6(ASXL1):c.4409G>A (p.Ser1470Asn)

Gene: ASXL1 (ASXL transcriptional regulator 1; plus strand). Cytogenetic location: 20q11.21.
Variant type: single nucleotide variant.
Coding change: c.4409G>A on transcript NM_015338.6 (MANE Select); coding-DNA position 4409, G replaced by A.
Protein change: p.Ser1470Asn; replaces serine 1470 with asparagine.
Molecular consequence: missense variant.
Genome position (GRCh38, 1-based): chr20:32,437,121, G>A. VCF-style: chr20-32437121-G-A. GRCh37 (hg19) VCF-style: chr20-31024924-G-A.
Other names: c.4226G>A, p.Ser1409Asn (NM_001363734.1); short protein forms S1409N, S1470N.
Identifiers: ClinVar variation 3614648 (VCV003614648.2).

ClinVar aggregate classification (germline): Uncertain significance (1 of 4 stars; one submission).

gnomAD v4.1: 1 of 1,614,094 alleles (0.000062%); highest among the groups gnomAD compares: African/African-American, 0.0013%; no homozygotes.

Submission:

Labcorp Genetics (formerly Invitae), Labcorp
Classification: Uncertain significance. Last evaluated: 2025-01-17. Review status: criteria provided, single submitter. Criteria: Invitae Variant Classification Sherloc (09022015). Collection method: clinical testing. Allele origin: germline.
Comment: This sequence change replaces serine, which is neutral and polar, with asparagine, which is neutral and polar, at codon 1470 of the ASXL1 protein (p.Ser1470Asn). This variant is not present in population databases (gnomAD no frequency). This variant has not been reported in the literature in individuals affected with ASXL1-related conditions. An algorithm developed to predict the effect of missense changes on protein structure and function (PolyPhen-2) suggests that this variant is likely to be disruptive. In summary, the available evidence is currently insufficient to determine the role of this variant in disease. Therefore, it has been classified as a Variant of Uncertain Significance.